The following is an entry in ClinVar:

NM_001025603.2(RFX5):c.635C>G (p.Ala212Gly)

Gene: RFX5 (regulatory factor X5; minus strand). Cytogenetic location: 1q21.3.
Variant type: single nucleotide variant.
Coding change: c.635C>G on transcript NM_001025603.2 (MANE Select); coding-DNA position 635, C replaced by G.
Protein change: p.Ala212Gly; replaces alanine 212 with glycine.
Molecular consequence: missense variant.
Genome position (GRCh38, 1-based): chr1:151,343,803, G>C on the plus strand (C>G on the coding strand, the complement: RFX5 is on the minus strand). VCF-style: chr1-151343803-G-C. GRCh37 (hg19) VCF-style: chr1-151316279-G-C.
Other names: c.635C>G, p.Ala212Gly (NM_000449.4, NM_001379412.1, NM_001379413.1 and 5 more transcripts); c.515C>G, p.Ala172Gly (NM_001379419.1, NM_001379420.1); short protein forms A172G, A212G.
Identifiers: ClinVar variation 1477929 (VCV001477929.8), dbSNP rs940480924, ClinGen allele CA341938117.

ClinVar aggregate classification (germline): Uncertain significance (1 of 4 stars; one submission).

Conditions:
MHC class II deficiency. Also called: BLS, TYPE II; Bare lymphocyte syndrome 2. Identifiers: Orphanet 572, MedGen C5447452, MONDO:0008855.

Allele frequency attached by ClinVar (database versions not stated): gnomAD 0.00001.

Submission:

Labcorp Genetics (formerly Invitae), Labcorp
Classification: Uncertain significance for MHC class II deficiency. Last evaluated: 2021-03-26. Review status: criteria provided, single submitter. Criteria: Invitae Variant Classification Sherloc (09022015). Collection method: clinical testing. Allele origin: germline.
Comment: In summary, the available evidence is currently insufficient to determine the role of this variant in disease. Therefore, it has been classified as a Variant of Uncertain Significance. Algorithms developed to predict the effect of missense changes on protein structure and function are either unavailable or do not agree on the potential impact of this missense change (SIFT: "Deleterious"; PolyPhen-2: "Probably Damaging"; Align-GVGD: "Class C0"). This variant has not been reported in the literature in individuals with RFX5-related conditions. This variant is not present in population databases (ExAC no frequency). This sequence change replaces alanine with glycine at codon 212 of the RFX5 protein (p.Ala212Gly). The alanine residue is highly conserved and there is a small physicochemical difference between alanine and glycine.